The following is an entry in ClinVar:

NM_133642.5(LARGE1):c.1685C>T (p.Ser562Phe)

Gene: LARGE1 (LARGE xylosyl- and glucuronyltransferase 1; minus strand). Cytogenetic location: 22q12.3.
Variant type: single nucleotide variant.
Coding change: c.1685C>T on transcript NM_133642.5 (MANE Select); coding-DNA position 1685, C replaced by T.
Protein change: p.Ser562Phe; replaces serine 562 with phenylalanine.
Molecular consequence: missense variant.
Genome position (GRCh38, 1-based): chr22:33,304,274, G>A on the plus strand (C>T on the coding strand, the complement: LARGE1 is on the minus strand). VCF-style: chr22-33304274-G-A. GRCh37 (hg19) VCF-style: chr22-33700260-G-A.
Other names: c.1685C>T, p.Ser562Phe (NM_001362949.2, NM_001362951.2, NM_001362953.2 and 6 more transcripts); c.1529C>T, p.Ser510Phe (NM_001378629.1); c.1082C>T, p.Ser361Phe (NM_001378630.1); c.926C>T, p.Ser309Phe (NM_001378631.1); short protein forms S361F, S309F, S510F, S562F.
Identifiers: ClinVar variation 1525626 (VCV001525626.6), dbSNP rs2146163397, ClinGen allele CA411544183.
Genomic context (GRCh38, chr22:33,304,274, plus strand): 5'-CCTGCAGGTCCTTACCTGAGGTACTCATAGAGCCCATACATGGGCAGGAAGTCAATGTCA[G>A]ACAGGAACATGTAGGGAGTGCTGATGTGCTTCATGGCCACGTTGCGCAGCAGGTTCACGG-3'
Protein context (NP_598397.1, residues 552-572): KHISTPYMFL[Ser562Phe]DIDFLPMYGL

ClinVar aggregate classification (germline): Uncertain significance (1 of 4 stars; one submission).

Conditions:
Muscular dystrophy-dystroglycanopathy type B6 (MDDGB6). Also called: MUSCULAR DYSTROPHY, CONGENITAL, LARGE-RELATED; MUSCULAR DYSTROPHY, CONGENITAL, TYPE 1D; MUSCULAR DYSTROPHY-DYSTROGLYCANOPATHY (CONGENITAL WITH IMPAIRED INTELLECTUAL DEVELOPMENT), TYPE B, 6. Identifiers: MedGen C1837229, MONDO:0012138, OMIM 608840.

Submission:

Labcorp Genetics (formerly Invitae), Labcorp
Classification: Uncertain significance for Muscular dystrophy-dystroglycanopathy type B6. Last evaluated: 2021-10-14. Review status: criteria provided, single submitter. Criteria: Invitae Variant Classification Sherloc (09022015). Collection method: clinical testing. Allele origin: germline.
Comment: This sequence change replaces serine with phenylalanine at codon 562 of the LARGE1 protein (p.Ser562Phe). The serine residue is highly conserved and there is a large physicochemical difference between serine and phenylalanine. This variant is not present in population databases (ExAC no frequency). This variant has not been reported in the literature in individuals affected with LARGE1-related conditions. Algorithms developed to predict the effect of missense changes on protein structure and function (SIFT, PolyPhen-2, Align-GVGD) all suggest that this variant is likely to be disruptive. In summary, the available evidence is currently insufficient to determine the role of this variant in disease. Therefore, it has been classified as a Variant of Uncertain Significance.